The following is an entry in ClinVar:

NM_001351132.2(PEX5):c.78G>C (p.Gln26His)

Gene: PEX5 (peroxisomal biogenesis factor 5; plus strand). Cytogenetic location: 12p13.31.
Variant type: single nucleotide variant.
Coding change: c.78G>C on transcript NM_001351132.2 (MANE Select); coding-DNA position 78, G replaced by C.
Protein change: p.Gln26His; replaces glutamine 26 with histidine.
Molecular consequence: missense variant.
Genome position (GRCh38, 1-based): chr12:7,190,455, G>C. VCF-style: chr12-7190455-G-C. GRCh37 (hg19) VCF-style: chr12-7343051-G-C.
Other names: c.78G>C, p.Gln26His (NM_000319.5, NM_001131023.2, NM_001131024.2 and 22 more transcripts); short protein forms Q26H.
Identifiers: ClinVar variation 1303621 (VCV001303621.6), dbSNP rs1940818656, ClinGen allele CA383707607.

ClinVar aggregate classification (germline): Uncertain significance. Review status: criteria provided, multiple submitters, no conflicts (2 of 4 stars). 2 submissions from 2 submitters: Uncertain significance (2). Last evaluated 2022-02-27.

Conditions:
Peroxisome biogenesis disorder 2B (PBD2B). Identifiers: Orphanet 44, MedGen C3550234, MONDO:0008736, OMIM 202370.

Allele frequency attached by ClinVar (database versions not stated): TOPMed below 0.00001; gnomAD 0.00001.
gnomAD v4.1: 1 of 1,614,080 alleles (0.000062%); highest among the groups gnomAD compares: Non-Finnish European, 0.000085%; no homozygotes.

Submissions (2):

Labcorp Genetics (formerly Invitae), Labcorp
Classification: Uncertain significance for Peroxisome biogenesis disorder 2B. Last evaluated: 2022-02-27. Review status: criteria provided, single submitter. Criteria: Invitae Variant Classification Sherloc (09022015). Collection method: clinical testing. Allele origin: germline.
Comment: ClinVar contains an entry for this variant (Variation ID: 1303621). Algorithms developed to predict the effect of missense changes on protein structure and function (SIFT, PolyPhen-2, Align-GVGD) all suggest that this variant is likely to be tolerated. In summary, the available evidence is currently insufficient to determine the role of this variant in disease. Therefore, it has been classified as a Variant of Uncertain Significance. This sequence change replaces glutamine, which is neutral and polar, with histidine, which is basic and polar, at codon 26 of the PEX5 protein (p.Gln26His). This variant is not present in population databases (gnomAD no frequency). This variant has not been reported in the literature in individuals affected with PEX5-related conditions.

GeneDx
Classification: Uncertain significance. Last evaluated: 2019-12-26. Review status: criteria provided, single submitter. Criteria: GeneDx Variant Classification Process June 2021. Collection method: clinical testing. Allele origin: germline. Affected: yes.
Comment: Not observed in large population cohorts (Lek et al., 2016); In silico analysis, which includes protein predictors and evolutionary conservation, supports a deleterious effect; Has not been previously published as pathogenic or benign to our knowledge